The following is an entry in ClinVar:

NM_001963.6(EGF):c.267T>G (p.Tyr89Ter)

Gene: EGF (epidermal growth factor; plus strand). Cytogenetic location: 4q25.
Variant type: single nucleotide variant.
Coding change: c.267T>G on transcript NM_001963.6 (MANE Select); coding-DNA position 267, T replaced by G.
Protein change: p.Tyr89Ter; replaces tyrosine 89 with a stop codon.
Molecular consequence: nonsense.
Genome position (GRCh38, 1-based): chr4:109,941,085, T>G. VCF-style: chr4-109941085-T-G. GRCh37 (hg19) VCF-style: chr4-110862241-T-G.
Other names: c.267T>G, p.Tyr89Ter (NM_001178130.3, NM_001178131.3, NM_001357021.2); short protein forms Y89*.
Identifiers: ClinVar variation 4719849 (VCV004719849.1).

ClinVar aggregate classification (germline): Uncertain significance (1 of 4 stars; one submission).

Submission:

Labcorp Genetics (formerly Invitae), Labcorp
Classification: Uncertain significance. Last evaluated: 2025-09-25. Review status: criteria provided, single submitter. Criteria: Invitae Variant Classification Sherloc (09022015). Collection method: clinical testing. Allele origin: germline.
Comment: This sequence change creates a premature translational stop signal (p.Tyr89*) in the EGF gene. It is expected to result in an absent or disrupted protein product. However, the current clinical and genetic evidence is not sufficient to establish whether loss-of-function variants in EGF cause disease. This variant is not present in population databases (gnomAD no frequency). This variant has not been reported in the literature in individuals affected with EGF-related conditions. Algorithms developed to predict the effect of sequence changes on RNA splicing suggest that this variant may disrupt the consensus splice site. In summary, the available evidence is currently insufficient to determine the role of this variant in disease. Therefore, it has been classified as a Variant of Uncertain Significance.